The following is an entry in ClinVar:

NM_000321.3(RB1):c.380+45C>T

Gene: RB1 (RB transcriptional corepressor 1; plus strand). Cytogenetic location: 13q14.2.
Variant type: single nucleotide variant.
Coding change: c.380+45C>T on transcript NM_000321.3 (MANE Select); 45 bases into the intron after coding-DNA position 380, C replaced by T.
Molecular consequence: intron variant.
Genome position (GRCh38, 1-based): chr13:48,342,759, C>T. VCF-style: chr13-48342759-C-T. GRCh37 (hg19) VCF-style: chr13-48916895-C-T.
Identifiers: ClinVar variation 255824 (VCV000255824.7), dbSNP rs520342, ClinGen allele CA037900.

ClinVar aggregate classification (germline): Benign. Review status: criteria provided, multiple submitters, no conflicts (2 of 4 stars). 5 submissions from 5 submitters: Benign (5). Last evaluated 2025-09-17.

Conditions:
Hereditary retinoblastoma. Identifiers: Orphanet 357027, MedGen C0751483, MONDO:0018160.
Retinoblastoma (RB1). Also called: RETINOBLASTOMA, SOMATIC. Identifiers: Orphanet 790, MedGen C0035335, MeSH D012175, MONDO:0008380, OMIM 180200, HP:0009919. Disease mechanism: loss of function. Inheritance: Both sporadic and heritable forms are tested..

Allele frequency attached by ClinVar (database versions not stated): 1000 Genomes Project 0.20068; 1000 Genomes Project 30x 0.20300; TOPMed 0.20723; ESP Exome Variant Server 0.21149; gnomAD 0.21231 and 0.21299.
gnomAD v4.1: 320,176 of 1,330,802 alleles (24%); highest among the groups gnomAD compares: Non-Finnish European, 25%; 39,464 homozygotes.

Submissions (5):

Ramesar Group, Division of Human Genetics, Institute of Infectious Diseases and Molecular Medicine, UCT/MRC Genomic and Precision Medicine Research Unit, University of Cape Town
Classification: Benign for Hereditary retinoblastoma. Last evaluated: 2025-09-17. Review status: criteria provided, single submitter. Criteria: ACMG Guidelines, 2015. Collection method: research. Allele origin: germline. Affected: no.
Comment: BA1 - This variant is common in the general population (gnomAD), and is present in 28 individuals in our in-house control cohort (35%) BP5 - Variant found in a patient with a different retinal disease; RB1 is not associated with the phenotype BP6 - Reported as benign in ClinVar BP7 - A non-coding variant with no predicted effect on splicing (SpliceAI scores are negligible)

KCCC/NGS Laboratory, Kuwait Cancer Control Center
Classification: Benign for Retinoblastoma. Last evaluated: 2023-07-07. Review status: criteria provided, single submitter. Criteria: ACMG Guidelines, 2015. Collection method: clinical testing. Allele origin: germline. Affected: yes.

GeneDx
Classification: Benign. Last evaluated: 2018-06-24. Review status: criteria provided, single submitter. Criteria: GeneDx Variant Classification Process June 2021. Collection method: clinical testing. Allele origin: germline. Affected: yes.

Breakthrough Genomics
Classification: Benign. Review status: criteria provided, single submitter. Criteria: ACMG Guidelines, 2015. Collection method: not provided. Allele origin: germline. Inheritance: Autosomal dominant inheritance. Affected: yes.

PreventionGenetics, part of Exact Sciences
Classification: Benign. Review status: criteria provided, single submitter. Criteria: ACMG Guidelines, 2015. Collection method: clinical testing. Allele origin: germline.